The following is an entry in ClinVar:

NM_024809.5(TCTN2):c.24T>G (p.Ala8=)

Gene: TCTN2 (tectonic family member 2; plus strand). Cytogenetic location: 12q24.31.
Variant type: single nucleotide variant.
Coding change: c.24T>G on transcript NM_024809.5 (MANE Select); coding-DNA position 24, T replaced by G.
Protein change: p.Ala8=; no amino-acid change (alanine 8 retained).
Molecular consequence: synonymous variant.
Genome position (GRCh38, 1-based): chr12:123,671,264, T>G. VCF-style: chr12-123671264-T-G. GRCh37 (hg19) VCF-style: chr12-124155811-T-G.
Other names: c.24T>G, p.Ala8= (NM_001143850.3, NM_001410989.1).
Identifiers: ClinVar variation 2643515 (VCV002643515.24), dbSNP rs2541745646, ClinGen allele CA482265749.

ClinVar aggregate classification (germline): Likely benign (1 of 4 stars; one submission).

Submission:

CeGaT Center for Human Genetics Tuebingen
Classification: Likely benign. Last evaluated: 2023-07-01. Review status: criteria provided, single submitter. Criteria: CeGaT Center For Human Genetics Tuebingen Variant Classification Criteria Version 2. Collection method: clinical testing. Allele origin: germline. Affected: yes. Observed: 1 variant allele.
Comment: TCTN2: PM2:Supporting, BP4, BP7